The following is an entry in ClinVar:

ClinVar aggregate classification (germline): Conflicting classifications of pathogenicity. Review status: criteria provided, conflicting classifications (1 of 4 stars). 2 submissions from 2 submitters: Uncertain significance (1); Likely benign (1). Last evaluated 2023-03-23.

Conditions:
Hereditary cancer-predisposing syndrome. Also called: Hereditary Cancer Syndrome; Neoplastic Syndromes, Hereditary; Tumor predisposition; Hereditary neoplastic syndrome. Identifiers: Orphanet 140162, MedGen C0027672, MeSH D009386, MONDO:0015356.

Submissions (2):

University of Washington Department of Laboratory Medicine, University of Washington
Classification: Likely benign for Hereditary cancer-predisposing syndrome. Last evaluated: 2023-03-23. Review status: criteria provided, single submitter. Criteria: Dines et al. (Genet Med. 2020). Collection method: curation. Allele origin: germline.
Comment: Missense variant in a coldspot region where missense variants are very unlikely to be pathogenic (PMID:31911673).

BRCA2 exon 11 coldspot. Reclassification based on statistical prior probability.

Revvity Omics, Revvity
Classification: Uncertain significance. Last evaluated: 2022-04-11. Review status: criteria provided, single submitter. Criteria: ACMG Guidelines, 2015. Collection method: clinical testing. Allele origin: germline.

NM_000059.4(BRCA2):c.6083A>T (p.Glu2028Val)

Gene: BRCA2 (BRCA2 DNA repair associated; plus strand). Cytogenetic location: 13q13.1.
Variant type: single nucleotide variant.
Coding change: c.6083A>T on transcript NM_000059.4 (MANE Select); coding-DNA position 6083, A replaced by T.
Protein change: p.Glu2028Val; replaces glutamic acid 2028 with valine.
Molecular consequence: missense variant.
Genome position (GRCh38, 1-based): chr13:32,340,438, A>T. VCF-style: chr13-32340438-A-T. GRCh37 (hg19) VCF-style: chr13-32914575-A-T.
Other names: c.6083A>T, p.Glu2028Val (NM_001406719.1, NM_001406720.1); short protein forms E2028V.
Identifiers: ClinVar variation 2439562 (VCV002439562.5), dbSNP rs1555284531, ClinGen allele CA387788022.